The following is an entry in ClinVar:

NM_014249.4(NR2E3):c.1085C>G (p.Pro362Arg)

Gene: NR2E3 (nuclear receptor subfamily 2 group E member 3; plus strand). Cytogenetic location: 15q23.
Variant type: single nucleotide variant.
Coding change: c.1085C>G on transcript NM_014249.4 (MANE Select); coding-DNA position 1085, C replaced by G.
Protein change: p.Pro362Arg; replaces proline 362 with arginine.
Molecular consequence: missense variant.
Genome position (GRCh38, 1-based): chr15:71,814,102, C>G. VCF-style: chr15-71814102-C-G. GRCh37 (hg19) VCF-style: chr15-72106443-C-G.
Other names: c.1085C>G, p.Pro362Arg (NM_016346.4); short protein forms P362R.
Identifiers: ClinVar variation 4925720 (VCV004925720.2).

ClinVar aggregate classification (germline): Uncertain significance. Review status: criteria provided, multiple submitters, no conflicts (2 of 4 stars). 2 submissions from 2 submitters: Uncertain significance (2). Last evaluated 2026-09-02.

Conditions:
ENHANCED S-CONE SYNDROME 1 (ESCS1). Also called: RETINOSCHISIS WITH EARLY HEMERALOPIA; FAVRE HYALOIDEORETINAL DEGENERATION. Identifiers: MedGen CN380299, OMIM 268100.

Submissions (2):

Myriad Genetics, Inc.
Classification: Uncertain significance for ENHANCED S-CONE SYNDROME 1. Last evaluated: 2026-09-02. Review status: criteria provided, single submitter. Criteria: Myriad Autosomal Dominant, Autosomal Recessive and X-Linked Classification Criteria (2023). Collection method: clinical testing. Allele origin: unknown.
Comment: NM_014249.2(NR2E3):c.1085C>G(P362R) is a missense variant classified as a variant of uncertain significance in the context of enhanced S-cone syndrome. P362R has not been observed in cases with relevant disease. Relevant functional assessments of this variant are not available in the literature. P362R has been observed in referenced population frequency databases. In summary, there is insufficient evidence to classify NM_014249.2(NR2E3):c.1085C>G(P362R) as pathogenic or benign. Please note: this variant was assessed in the context of healthy population screening.

Blueprint Genetics
Classification: Uncertain significance. Last evaluated: 2021-12-03. Review status: criteria provided, single submitter. Criteria: ACMG Guidelines, 2015. Collection method: clinical testing. Allele origin: germline.